The following is an entry in ClinVar:

ClinVar aggregate classification (germline): Benign (1 of 4 stars; one submission).

Allele frequency attached by ClinVar (database versions not stated): gnomAD 0.00322; TOPMed 0.00324; 1000 Genomes Project 30x 0.00406; 1000 Genomes Project 0.00439; gnomAD exomes 0.00454; ExAC 0.00877.
gnomAD v4.1: 2,475 of 587,456 alleles (0.42%); highest among the groups gnomAD compares: Middle Eastern, 1.8%; 17 homozygotes.

Submission:

CeGaT Center for Human Genetics Tuebingen
Classification: Benign. Last evaluated: 2023-07-01. Review status: criteria provided, single submitter. Criteria: CeGaT Center For Human Genetics Tuebingen Variant Classification Criteria Version 2. Collection method: clinical testing. Allele origin: germline. Affected: yes. Observed: 16 variant alleles.
Comment: RERE: BS1, BS2

NM_001042681.2(RERE):c.1740+216G>A

Gene: RERE (arginine-glutamic acid dipeptide repeats; minus strand). Cytogenetic location: 1p36.23.
Variant type: single nucleotide variant.
Coding change: c.1740+216G>A on transcript NM_001042681.2 (MANE Select); 216 bases into the intron after coding-DNA position 1740, G replaced by A.
Molecular consequence: intron variant.
Genome position (GRCh38, 1-based): chr1:8,363,840, C>T on the plus strand (G>A on the coding strand, the complement: RERE is on the minus strand). VCF-style: chr1-8363840-C-T. GRCh37 (hg19) VCF-style: chr1-8423900-C-T.
Other names: c.1740+216G>A (NM_012102.4); c.78+216G>A (NM_001042682.2).
Identifiers: ClinVar variation 2638178 (VCV002638178.24), dbSNP rs183116418, ClinGen allele CA571565.